The following is an entry in ClinVar:

ClinVar aggregate classification (germline): Uncertain significance (1 of 4 stars; one submission).

Conditions:
Inborn genetic diseases. Identifiers: MedGen C0950123, MeSH D030342.

gnomAD v4.1: 2 of 1,613,118 alleles (0.00012%); highest among the groups gnomAD compares: African/African-American, 0.0027%; no homozygotes.

Submission:

Ambry Genetics
Classification: Uncertain significance for Inborn genetic diseases. Last evaluated: 2025-08-14. Review status: criteria provided, single submitter. Criteria: Ambry Variant Classification Scheme 2023. Collection method: clinical testing. Allele origin: germline.
Comment: The p.N117H variant (also known as c.349A>C), located in coding exon 3 of the CEP57 gene, results from an A to C substitution at nucleotide position 349. The asparagine at codon 117 is replaced by histidine, an amino acid with similar properties. This amino acid position is conserved. In addition, this alteration is predicted to be tolerated by in silico analysis. Based on the available evidence, the clinical significance of this variant remains unclear.

NM_014679.5(CEP57):c.349A>C (p.Asn117His)

Gene: CEP57 (centrosomal protein 57; plus strand). Cytogenetic location: 11q21.
Variant type: single nucleotide variant.
Coding change: c.349A>C on transcript NM_014679.5 (MANE Select); coding-DNA position 349, A replaced by C.
Protein change: p.Asn117His; replaces asparagine 117 with histidine.
Molecular consequence: missense variant. On other transcripts: intron variant (3).
Genome position (GRCh38, 1-based): chr11:95,813,078, A>C. VCF-style: chr11-95813078-A-C. GRCh37 (hg19) VCF-style: chr11-95546242-A-C.
Other names: c.322A>C, p.Asn108His (NM_001243776.2); c.349A>C, p.Asn117His (NM_001243777.2, NM_001440871.1, NM_001440872.1 and 4 more transcripts); c.268A>C, p.Asn90His (NM_001363604.2, NM_001440869.1, NM_001440870.1 and 3 more transcripts); c.203-390A>C (NM_001440873.1, NM_001440881.1); c.122-390A>C (NM_001440880.1); short protein forms N90H, N108H, N117H.
Identifiers: ClinVar variation 4226380 (VCV004226380.1).